The following is an entry in ClinVar:

NM_147127.5(EVC2):c.1470+1G>C

Genes: EVC2 (EvC ciliary complex subunit 2; minus strand), LOC126806961 (BRD4-independent group 4 enhancer GRCh37_chr4:5641443-5642642; plus strand). Cytogenetic location: 4p16.2.
Variant type: single nucleotide variant.
Coding change: c.1470+1G>C on transcript NM_147127.5 (MANE Select); the canonical splice donor site of the intron after coding-DNA position 1470, G replaced by C.
Molecular consequence: splice donor variant.
Genome position (GRCh38, 1-based): chr4:5,640,513, C>G on the plus strand (G>C on the coding strand, the complement: EVC2 is on the minus strand). VCF-style: chr4-5640513-C-G. GRCh37 (hg19) VCF-style: chr4-5642240-C-G.
Other names: c.1230+1G>C (NM_001166136.2).
Identifiers: ClinVar variation 1467225 (VCV001467225.9), dbSNP rs1577194652, ClinGen allele CA356151133.
Genomic context (GRCh38, chr4:5,640,513, plus strand): 5'-GATAAATGACAAATCCCTGAGAGAAAGGGAAGTGAACGCCTTCCTTTCAGACCTGTCTTA[C>G]CCTCTCACCAGCACGTTTCAGCAACTCTTCTGCTTCCTCCATTGCCATCATCTCTCTCTG-3'

ClinVar aggregate classification (germline): Likely pathogenic (1 of 4 stars; one submission).

Conditions:
Ellis-van Creveld syndrome (EVC). Also called: Chondroectodermal dysplasia; MESOECTODERMAL DYSPLASIA; EVC-Related Ellis-van Creveld Syndrome; EVC2-Related Ellis-van Creveld Syndrome. Identifiers: Orphanet 289, MedGen C0013903, MONDO:0009162, OMIM 225500.
Curry-Hall syndrome (WAD). Also called: WEYERS ACRODENTAL DYSOSTOSIS. Identifiers: Orphanet 952, MedGen C0457013, MONDO:0008673, OMIM 193530.

Submission:

Labcorp Genetics (formerly Invitae), Labcorp
Classification: Likely pathogenic for Curry-Hall syndrome; Ellis-van Creveld syndrome. Last evaluated: 2024-02-12. Review status: criteria provided, single submitter. Criteria: Invitae Variant Classification Sherloc (09022015). Collection method: clinical testing. Allele origin: germline.
Comment: This sequence change affects a donor splice site in intron 10 of the EVC2 gene. It is expected to disrupt RNA splicing. Variants that disrupt the donor or acceptor splice site typically lead to a loss of protein function (PMID: 16199547), and loss-of-function variants in EVC2 are known to be pathogenic (PMID: 17024374, 19810119, 19876929). This variant is not present in population databases (gnomAD no frequency). This variant has not been reported in the literature in individuals affected with EVC2-related conditions. ClinVar contains an entry for this variant (Variation ID: 1467225). Algorithms developed to predict the effect of sequence changes on RNA splicing suggest that this variant may disrupt the consensus splice site. In summary, the currently available evidence indicates that the variant is pathogenic, but additional data are needed to prove that conclusively. Therefore, this variant has been classified as Likely Pathogenic.

Literature cited by the submitters: PubMed 16199547; PubMed 17024374; PubMed 19810119; PubMed 19876929.